The following is an entry in ClinVar:

ClinVar aggregate classification (germline): Uncertain significance. Review status: criteria provided, multiple submitters, no conflicts (2 of 4 stars). 2 submissions from 2 submitters: Uncertain significance (2). Last evaluated 2023-11-07.

Conditions:
Arrhythmogenic right ventricular dysplasia 8 (ARVD8). Also called: Arrhythmogenic Right Ventricular Dysplasia/Cardiomyopathy 8; ARRHYTHMOGENIC RIGHT VENTRICULAR DYSPLASIA, FAMILIAL, 8; ARRHYTHMOGENIC RIGHT VENTRICULAR CARDIOMYOPATHY 8. Identifiers: MedGen C1843896, MONDO:0011831, OMIM 607450.
Arrhythmogenic cardiomyopathy with wooly hair and keratoderma. Also called: Dilated cardiomyopathy with woolly hair and keratoderma; Arrhythmogenic cardiomyopathy with woolly hair and keratoderma; PALMOPLANTAR KERATODERMA WITH LEFT VENTRICULAR CARDIOMYOPATHY AND WOOLLY HAIR; Carvajal syndrome. Identifiers: Orphanet 65282, MedGen C1854063, MONDO:0011581, OMIM 605676.

Submissions (2):

Labcorp Genetics (formerly Invitae), Labcorp
Classification: Uncertain significance for Arrhythmogenic cardiomyopathy with wooly hair and keratoderma; Arrhythmogenic right ventricular dysplasia 8. Last evaluated: 2023-11-07. Review status: criteria provided, single submitter. Criteria: Invitae Variant Classification Sherloc (09022015). Collection method: clinical testing. Allele origin: germline.
Comment: This sequence change replaces leucine, which is neutral and non-polar, with proline, which is neutral and non-polar, at codon 466 of the DSP protein (p.Leu466Pro). This variant is not present in population databases (gnomAD no frequency). This variant has not been reported in the literature in individuals affected with DSP-related conditions. ClinVar contains an entry for this variant (Variation ID: 179140). An algorithm developed to predict the effect of missense changes on protein structure and function (PolyPhen-2) suggests that this variant is likely to be disruptive. In summary, the available evidence is currently insufficient to determine the role of this variant in disease. Therefore, it has been classified as a Variant of Uncertain Significance.

Laboratory for Molecular Medicine, Mass General Brigham Personalized Medicine
Classification: Uncertain significance. Last evaluated: 2014-03-07. Review status: criteria provided, single submitter. Criteria: LMM Criteria. Collection method: clinical testing. Allele origin: germline. Observed: 1 variant allele.
Comment: C omputational prediction tools and conservation analysis suggest that this varian t may impact the protein, though this information is not predictive enough to de termine pathogenicity. Additional information is needed to fully assess the clin ical significance of this variant.

NM_004415.4(DSP):c.1397T>C (p.Leu466Pro)

Gene: DSP (desmoplakin; plus strand). Cytogenetic location: 6p24.3.
Variant type: single nucleotide variant.
Coding change: c.1397T>C on transcript NM_004415.4 (MANE Select); coding-DNA position 1397, T replaced by C.
Protein change: p.Leu466Pro; replaces leucine 466 with proline.
Molecular consequence: missense variant.
Genome position (GRCh38, 1-based): chr6:7,568,567, T>C. VCF-style: chr6-7568567-T-C. GRCh37 (hg19) VCF-style: chr6-7568800-T-C.
Other names: c.1397T>C, p.Leu466Pro (NM_001008844.3, NM_001319034.2); short protein forms L466P.
Identifiers: ClinVar variation 179140 (VCV000179140.7), dbSNP rs727504661, ClinGen allele CA004921.